The following is an entry in ClinVar:

ClinVar aggregate classification (germline): Conflicting classifications of pathogenicity. Review status: criteria provided, conflicting classifications (1 of 4 stars). 3 submissions from 3 submitters: Pathogenic (2); Uncertain significance (1). Last evaluated 2025-03-10.

Allele frequency attached by ClinVar (database versions not stated): gnomAD exomes 0.00001.
gnomAD v4.1: 8 of 1,613,644 alleles (0.0005%); highest among the groups gnomAD compares: Non-Finnish European, 0.00068%; no homozygotes.

Submissions (3):

GeneDx
Classification: Pathogenic. Last evaluated: 2025-03-10. Review status: criteria provided, single submitter. Criteria: GeneDx Variant Classification Process June 2021. Collection method: clinical testing. Allele origin: germline.
Comment: Published functional studies suggest a damaging effect on retinal angiogenesis (PMID: 33497368); Not observed at significant frequency in large population cohorts (gnomAD); In silico analysis supports that this missense variant has a deleterious effect on protein structure/function; This variant is associated with the following publications: (PMID: 32593708, 37217489, 35328049, 25711638, 33497368)

Labcorp Genetics (formerly Invitae), Labcorp
Classification: Pathogenic. Last evaluated: 2024-05-20. Review status: criteria provided, single submitter. Criteria: Invitae Variant Classification Sherloc (09022015). Collection method: clinical testing. Allele origin: germline.
Comment: This sequence change replaces proline, which is neutral and non-polar, with leucine, which is neutral and non-polar, at codon 848 of the LRP5 protein (p.Pro848Leu). This variant is not present in population databases (gnomAD no frequency). This missense change has been observed in individuals with clinical features of familial exudative vitreoretinopathy (PMID: 25711638; Invitae). It has also been observed to segregate with disease in related individuals. ClinVar contains an entry for this variant (Variation ID: 1441879). Advanced modeling of protein sequence and biophysical properties (such as structural, functional, and spatial information, amino acid conservation, physicochemical variation, residue mobility, and thermodynamic stability) performed at Invitae indicates that this missense variant is expected to disrupt LRP5 protein function with a positive predictive value of 95%. For these reasons, this variant has been classified as Pathogenic.

Blueprint Genetics
Classification: Uncertain significance. Last evaluated: 2021-11-09. Review status: criteria provided, single submitter. Criteria: ACMG Guidelines, 2015. Collection method: clinical testing. Allele origin: germline.

Literature cited by the submitters: PubMed 25711638 (cited by Labcorp Genetics (formerly Invitae), Labcorp).

NM_002335.4(LRP5):c.2543C>T (p.Pro848Leu)

Gene: LRP5 (LDL receptor related protein 5; plus strand). Cytogenetic location: 11q13.2.
Variant type: single nucleotide variant.
Coding change: c.2543C>T on transcript NM_002335.4 (MANE Select); coding-DNA position 2543, C replaced by T.
Protein change: p.Pro848Leu; replaces proline 848 with leucine.
Molecular consequence: missense variant.
Genome position (GRCh38, 1-based): chr11:68,413,728, C>T. VCF-style: chr11-68413728-C-T. GRCh37 (hg19) VCF-style: chr11-68181196-C-T.
Other names: c.2543C>T (NM_002335.2); c.800C>T, p.Pro267Leu (NM_001291902.2); short protein forms P267L, P848L.
Identifiers: ClinVar variation 1441879 (VCV001441879.9), dbSNP rs1281959115, ClinGen allele CA381618218.